The following is an entry in ClinVar:

ClinVar aggregate classification (germline): Likely pathogenic. Review status: criteria provided, multiple submitters, no conflicts (2 of 4 stars). 2 submissions from 2 submitters: Likely pathogenic (2). Last evaluated 2023-12-29.

Conditions:
Autosomal recessive Alport syndrome (ATS2). Also called: COL4A3-Related Nephropathy; COL4A4 Alport Syndrome and Thin Basement Membrane Nephropathy; ALPORT SYNDROME 2, AUTOSOMAL RECESSIVE; Alport syndrome type 2. Identifiers: Orphanet 63, Orphanet 88919, MedGen C4746745, MONDO:0008762, OMIM 203780.
Hematuria, benign familial, 1 (BFH1). Also called: THIN MEMBRANE NEPHROPATHY. Identifiers: MedGen CN376803, MONDO:0007709, OMIM 141200.

Submissions (2):

Fulgent Genetics
Classification: Likely pathogenic for Hematuria, benign familial, 1; Autosomal recessive Alport syndrome. Last evaluated: 2023-12-29. Review status: criteria provided, single submitter. Criteria: ACMG Guidelines, 2015. Collection method: clinical testing. Allele origin: germline.

Myriad Genetics, Inc.
Classification: Likely pathogenic for Autosomal recessive Alport syndrome. Last evaluated: 2022-03-20. Review status: criteria provided, single submitter. Criteria: Myriad Women's Health Autosomal Recessive and X-Linked Classification Criteria (2021). Collection method: clinical testing. Allele origin: unknown.
Comment: NM_000092.4(COL4A4):c.1554delG(L519Sfs*134) is expected to be pathogenic in the context of COL4A4-related Alport syndrome. This variant is predicted to lead to an abnormal or absent protein product due to the creation of a premature termination codon in COL4A4, a gene where loss-of-function variants are known to be pathogenic. Please note: this variant was assessed in the context of healthy population screening.

NM_000092.5(COL4A4):c.1554del (p.Leu519fs)

Gene: COL4A4 (collagen type IV alpha 4 chain; minus strand). Cytogenetic location: 2q36.3.
Variant type: Deletion.
Coding change: c.1554del on transcript NM_000092.5 (MANE Select); coding-DNA position 1554, one base deleted (G; older notation c.1554delG).
Protein change: p.Leu519fs; shifts the reading frame from leucine 519.
Molecular consequence: frameshift variant.
Genome position (GRCh38, 1-based): chr2:227,088,722, C deleted on the plus strand (G on the coding strand, the reverse complement: COL4A4 is on the minus strand); the first of 4 consecutive C bases (chr2:227,088,722-227,088,725); deleting any one gives the same sequence. VCF-style (leftmost placement, unchanged base first): chr2-227088721-GC-G. GRCh37 (hg19) VCF-style: chr2-227953437-GC-G.
Other names: short protein forms L519fs.
Identifiers: ClinVar variation 1725417 (VCV001725417.3), dbSNP rs2059734968, ClinGen allele CA1332761603.